The following is an entry in ClinVar:

ClinVar aggregate classification (germline): Pathogenic/Likely pathogenic. Review status: criteria provided, multiple submitters, no conflicts (2 of 4 stars). 2 submissions from 2 submitters: Pathogenic (1); Likely pathogenic (1). Last evaluated 2024-11-23.

Conditions:
COL2A1-related disorder. Also called: COL2A1-related condition; COL2A1-related disorders.

Submissions (2):

PreventionGenetics, part of Exact Sciences
Classification: Pathogenic for COL2A1-related condition. Last evaluated: 2024-11-23. Review status: criteria provided, single submitter. Criteria: ACMG Guidelines, 2015. Collection method: clinical testing. Allele origin: germline.
Comment: The COL2A1 c.1106G>A variant is predicted to result in the amino acid substitution p.Gly369Asp. This variant has been reported in three individuals with Spondyloepiphyseal dysplasia or COL2A1-related dysplasia (Table S1, Terhal et al. 2012. PubMed ID: 22791362). This variant has not been reported in a large population database (gnomAD), indicating this variant is rare. This variant affects a Gly residue of the conserved triple helical region from amino acids 201-1214. Glycine substitutions in the triple helical region of COL2A1are expected to be pathogenic (Barat-Houari et al. 2016. PubMed ID: 26626311). This variant is interpreted as pathogenic.

Labcorp Genetics (formerly Invitae), Labcorp
Classification: Likely pathogenic. Last evaluated: 2022-03-10. Review status: criteria provided, single submitter. Criteria: Invitae Variant Classification Sherloc (09022015). Collection method: clinical testing. Allele origin: germline.
Comment: In summary, the currently available evidence indicates that the variant is pathogenic, but additional data are needed to prove that conclusively. Therefore, this variant has been classified as Likely Pathogenic. This variant disrupts the triple helix domain of COL2A1. Glycine residues within the Gly-Xaa-Yaa repeats of the triple helix domain are required for the structure and stability of fibrillar collagens (PMID: 7695699, 8218237, 19344236). In COL2A1, variants affecting these glycine residues are significantly enriched in individuals with disease (PMID: 9016532, 17078022) compared to the general population (ExAC). Advanced modeling of protein sequence and biophysical properties (such as structural, functional, and spatial information, amino acid conservation, physicochemical variation, residue mobility, and thermodynamic stability) performed at Invitae indicates that this missense variant is expected to disrupt COL2A1 protein function. This missense change has been observed in individual(s) with clinical features of COL2A1-related conditions (PMID: 22791362; Invitae). This variant is not present in population databases (gnomAD no frequency). This sequence change replaces glycine, which is neutral and non-polar, with aspartic acid, which is acidic and polar, at codon 369 of the COL2A1 protein (p.Gly369Asp).

Literature cited by the submitters: PubMed 7695699 (cited by Labcorp Genetics (formerly Invitae), Labcorp); PubMed 8218237 (cited by Labcorp Genetics (formerly Invitae), Labcorp); PubMed 19344236 (cited by Labcorp Genetics (formerly Invitae), Labcorp); PubMed 9016532 (cited by Labcorp Genetics (formerly Invitae), Labcorp); PubMed 17078022 (cited by Labcorp Genetics (formerly Invitae), Labcorp); PubMed 22791362 (cited by Labcorp Genetics (formerly Invitae), Labcorp).

NM_001844.5(COL2A1):c.1106G>A (p.Gly369Asp)

Gene: COL2A1 (collagen type II alpha 1 chain; minus strand). Cytogenetic location: 12q13.11.
Variant type: single nucleotide variant.
Coding change: c.1106G>A on transcript NM_001844.5 (MANE Select); coding-DNA position 1106, G replaced by A.
Protein change: p.Gly369Asp; replaces glycine 369 with aspartic acid.
Molecular consequence: missense variant.
Genome position (GRCh38, 1-based): chr12:47,989,244, C>T on the plus strand (G>A on the coding strand, the complement: COL2A1 is on the minus strand). VCF-style: chr12-47989244-C-T. GRCh37 (hg19) VCF-style: chr12-48383027-C-T.
Other names: c.899G>A, p.Gly300Asp (NM_033150.3); c.1106G>A (NM_001844.4); short protein forms G369D, G300D.
Identifiers: ClinVar variation 2137343 (VCV002137343.5), dbSNP rs1565686236, ClinGen allele CA384555280.